The following is an entry in ClinVar:

ClinVar aggregate classification (germline): Uncertain significance. Review status: criteria provided, multiple submitters, no conflicts (2 of 4 stars). 6 submissions from 6 submitters: Uncertain significance (6). Last evaluated 2026-06-23.

Conditions:
MYBPC3-related disorder. Also called: MYBPC3-related condition; MYBPC3-related disease; MYBPC3-related disorders.
Hypertrophic cardiomyopathy. Also called: HYPERTROPHIC MYOCARDIOPATHY. Identifiers: Orphanet 217569, MedGen C0007194, MeSH D002312, MONDO:0005045, HP:0001639.
Cardiomyopathy (CMYO). Also called: Cardiomyopathies. Identifiers: Orphanet 167848, MedGen C0878544, MONDO:0004994, HP:0001638. Inheritance: Various modes of inheritance.
Cardiovascular phenotype. Identifiers: MedGen CN230736.

Allele frequency attached by ClinVar (database versions not stated): gnomAD 0.00001; gnomAD exomes 0.00001 and 0.00003; ExAC 0.00002.
gnomAD v4.1: 43 of 1,613,888 alleles (0.0027%); highest among the groups gnomAD compares: Middle Eastern, 0.016%; no homozygotes.

Submissions (6):

PreventionGenetics, part of Exact Sciences
Classification: Uncertain significance for MYBPC3-related condition. Last evaluated: 2026-06-23. Review status: criteria provided, single submitter. Criteria: ACMG Guidelines, 2015. Collection method: clinical testing. Allele origin: germline.
Comment: The MYBPC3 c.2300A>G variant is predicted to result in the amino acid substitution p.Lys767Arg. This variant has been reported in individuals with dilated cardiomyopathy or hypertrophic cardiomyopathy; however, this variant has also been documented in reference populations (Table S1A, Walsh et al. 2017. PubMed ID: 27532257; Trachoo et al. 2022. PubMed ID: 36166435; Table S8, McGurk et al. 2023. PubMed ID: 37652022). This variant is reported in 0.0056% of alleles in individuals of East Asian descent in gnomAD. At this time, the clinical significance of this variant is uncertain due to the absence of conclusive functional and genetic evidence.

Labcorp Genetics (formerly Invitae), Labcorp
Classification: Uncertain significance for Hypertrophic cardiomyopathy. Last evaluated: 2025-10-01. Review status: criteria provided, single submitter. Criteria: Invitae Variant Classification Sherloc (09022015). Collection method: clinical testing. Allele origin: germline.
Comment: This sequence change replaces lysine, which is basic and polar, with arginine, which is basic and polar, at codon 767 of the MYBPC3 protein (p.Lys767Arg). This variant is present in population databases (rs760786216, gnomAD 0.006%). This missense change has been observed in individual(s) with hypertrophic and dilated cardiomyopathy (PMID: 27532257, 36166435, 37652022). ClinVar contains an entry for this variant (Variation ID: 520345). An algorithm developed to predict the effect of missense changes on protein structure and function (PolyPhen-2) suggests that this variant is likely to be disruptive. In summary, the available evidence is currently insufficient to determine the role of this variant in disease. Therefore, it has been classified as a Variant of Uncertain Significance.

Color Diagnostics, LLC DBA Color Health
Classification: Uncertain significance for Cardiomyopathy. Last evaluated: 2025-02-18. Review status: criteria provided, single submitter. Criteria: ACMG Guidelines, 2015. Collection method: clinical testing. Allele origin: germline.
Comment: This missense variant replaces lysine with arginine at codon 767 of the MYBPC3 protein. Computational prediction suggests that this variant may not impact protein structure and function. To our knowledge, functional studies have not been reported for this variant. This variant has been reported in several individuals affected with hypertrophic cardiomyopathy (PMID: 27532257, 36166435), including two affected individuals in one family (PMID: 36166435). This variant has also been reported in an individual affected with dilated cardiomyopathy (PMID: 27532257). This variant has been identified in 2/249182 chromosomes in the general population by the Genome Aggregation Database (gnomAD). The available evidence is insufficient to determine the role of this variant in disease conclusively. Therefore, this variant is classified as a Variant of Uncertain Significance.

Ambry Genetics
Classification: Uncertain significance for Cardiovascular phenotype. Last evaluated: 2024-10-07. Review status: criteria provided, single submitter. Criteria: Ambry Variant Classification Scheme 2023. Collection method: clinical testing. Allele origin: germline.
Comment: The p.K767R variant (also known as c.2300A>G), located in coding exon 23 of the MYBPC3 gene, results from an A to G substitution at nucleotide position 2300. The lysine at codon 767 is replaced by arginine, an amino acid with highly similar properties. This alteration has been reported in hypertrophic and dilated cardiomyopathy cohorts; however, clinical details were limited (Walsh R et al. Genet. Med. 2017;19:192-203; Trachoo O et al. PLoS One, 2022 Sep;17:e0267770). This amino acid position is highly conserved in available vertebrate species. In addition, the in silico prediction for this alteration is inconclusive. Since supporting evidence is limited at this time, the clinical significance of this alteration remains unclear.

All of Us Research Program, National Institutes of Health
Classification: Uncertain significance for Hypertrophic cardiomyopathy. Last evaluated: 2024-05-17. Review status: criteria provided, single submitter. Criteria: ACMG Guidelines, 2015. Collection method: clinical testing. Allele origin: germline. Inheritance: Autosomal dominant inheritance. Observed: 6 variant alleles, 6 heterozygotes.
Comment: This missense variant replaces lysine with arginine at codon 767 of the MYBPC3 protein. Computational prediction suggests that this variant may not impact protein structure and function (internally defined REVEL score threshold <= 0.5, PMID: 27666373). To our knowledge, functional studies have not been reported for this variant. This variant has been reported in two individuals affected with hypertrophic cardiomyopathy and one individual affected with dilated cardiomyopathy (PMID: 27532257). This variant has been identified in 2/249182 chromosomes in the general population by the Genome Aggregation Database (gnomAD). The available evidence is insufficient to determine the role of this variant in disease conclusively. Therefore, this variant is classified as a Variant of Uncertain Significance.

This study involves interpretation of variants in research participants for the purpose of population health screening. Participant phenotype was not available at the time of variant classification. Additional details can be found in publication PMID: 35346344, PMCID: PMC8962531

Clinical Genetics Laboratory, Skane University Hospital Lund
Classification: Uncertain significance. Last evaluated: 2023-05-04. Review status: criteria provided, single submitter. Criteria: ACMG Guidelines, 2015. Collection method: clinical testing. Allele origin: germline. Affected: yes.

Literature cited by the submitters: PubMed 27532257 (cited by 4 submitters); PubMed 36166435 (cited by 3 submitters); PubMed 37652022 (cited by Labcorp Genetics (formerly Invitae), Labcorp).

NM_000256.3(MYBPC3):c.2300A>G (p.Lys767Arg)

Gene: MYBPC3 (myosin binding protein C3; minus strand). Cytogenetic location: 11p11.2.
Variant type: single nucleotide variant.
Coding change: c.2300A>G on transcript NM_000256.3 (MANE Select); coding-DNA position 2300, A replaced by G.
Protein change: p.Lys767Arg; replaces lysine 767 with arginine.
Molecular consequence: missense variant.
Genome position (GRCh38, 1-based): chr11:47,338,528, T>C on the plus strand (A>G on the coding strand, the complement: MYBPC3 is on the minus strand). VCF-style: chr11-47338528-T-C. GRCh37 (hg19) VCF-style: chr11-47360079-T-C.
Other names: c.2300A>G, p.Lys767Arg (LRG_386t1); short protein forms K767R.
Identifiers: ClinVar variation 520345 (VCV000520345.18), dbSNP rs760786216, ClinGen allele CA078622.